The following is an entry in ClinVar:

ClinVar aggregate classification (germline): Uncertain significance (1 of 4 stars; one submission).

Conditions:
Developmental and epileptic encephalopathy, 27 (DEE27). Also called: Epileptic encephalopathy, early infantile, 27; GRIN2B-Related Neurodevelopmental Disorder. Identifiers: Orphanet 3451, MedGen C4015316, MONDO:0014505, OMIM 616139.
Intellectual developmental disorder, autosomal dominant 6, with or without seizures. Also called: Intellectual disability, autosomal dominant 6; GRIN2B-related developmental delay, intellectual disability and autism spectrum disorder. Identifiers: Orphanet 589547, MedGen C3151411, MONDO:0013509, OMIM 613970.

Submission:

Labcorp Genetics (formerly Invitae), Labcorp
Classification: Uncertain significance for Developmental and epileptic encephalopathy, 27; Intellectual developmental disorder, autosomal dominant 6, with or without seizures. Last evaluated: 2024-11-04. Review status: criteria provided, single submitter. Criteria: Invitae Variant Classification Sherloc (09022015). Collection method: clinical testing. Allele origin: germline.
Comment: This sequence change falls in intron 4 of the GRIN2B gene. It does not directly change the encoded amino acid sequence of the GRIN2B protein. It affects a nucleotide within the consensus splice site. This variant is not present in population databases (gnomAD no frequency). This variant has not been reported in the literature in individuals affected with GRIN2B-related conditions. Variants that disrupt the consensus splice site are a relatively common cause of aberrant splicing (PMID: 17576681, 9536098). Algorithms developed to predict the effect of sequence changes on RNA splicing suggest that this variant is not likely to affect RNA splicing. In summary, the available evidence is currently insufficient to determine the role of this variant in disease. Therefore, it has been classified as a Variant of Uncertain Significance.

Literature cited by the submitters: PubMed 17576681; PubMed 9536098.

NM_000834.5(GRIN2B):c.1125+6A>T

Gene: GRIN2B (glutamate ionotropic receptor NMDA type subunit 2B; minus strand). Cytogenetic location: 12p13.1.
Variant type: single nucleotide variant.
Coding change: c.1125+6A>T on transcript NM_000834.5 (MANE Select); 6 bases into the intron after coding-DNA position 1125, A replaced by T.
Molecular consequence: intron variant.
Genome position (GRCh38, 1-based): chr12:13,675,739, T>A on the plus strand (A>T on the coding strand, the complement: GRIN2B is on the minus strand). VCF-style: chr12-13675739-T-A. GRCh37 (hg19) VCF-style: chr12-13828673-T-A.
Other names: c.1125+6A>T (NM_001413992.1).
Identifiers: ClinVar variation 3752312 (VCV003752312.2).